The following is an entry in ClinVar:

NM_000044.6(AR):c.1787G>A (p.Cys596Tyr)

Gene: AR (androgen receptor; plus strand). Cytogenetic location: Xq12.
Variant type: single nucleotide variant.
Coding change: c.1787G>A on transcript NM_000044.6 (MANE Select); coding-DNA position 1787, G replaced by A.
Protein change: p.Cys596Tyr; replaces cysteine 596 with tyrosine.
Molecular consequence: missense variant. On other transcripts: synonymous variant (1).
Genome position (GRCh38, 1-based): chrX:67,686,028, G>A. VCF-style: chrX-67686028-G-A. GRCh37 (hg19) VCF-style: chrX-66905870-G-A.
Other names: c.191G>A, p.Cys64Tyr (NM_001011645.3); c.1787G>A, p.Cys596Tyr (NM_001348061.1, NM_001348063.1); c.1704G>A, p.Val568= (NM_001348064.1); short protein forms C596Y, C64Y.
Identifiers: ClinVar variation 2573824 (VCV002573824.1), dbSNP rs2519800627, ClinGen allele CA413429161.

ClinVar aggregate classification (germline): Likely pathogenic (1 of 4 stars; one submission).

Submission:

GeneDx
Classification: Likely pathogenic. Last evaluated: 2021-07-13. Review status: criteria provided, single submitter. Criteria: GeneDx Variant Classification Process June 2021. Collection method: clinical testing. Allele origin: germline. Affected: yes.
Comment: Not observed at significant frequency in large population cohorts (gnomAD); Missense variants in this gene are often considered pathogenic (HGMD); In silico analysis supports that this missense variant has a deleterious effect on protein structure/function; This variant is associated with the following publications: (PMID: 27535533, 31277073, 29095814, 24077912)